The following is an entry in ClinVar:

ClinVar aggregate classification (germline): Pathogenic (1 of 4 stars; one submission).

Allele frequency attached by ClinVar (database versions not stated): gnomAD exomes below 0.00001.

Submission:

Labcorp Genetics (formerly Invitae), Labcorp
Classification: Pathogenic. Last evaluated: 2022-02-21. Review status: criteria provided, single submitter. Criteria: Invitae Variant Classification Sherloc (09022015). Collection method: clinical testing. Allele origin: germline.
Comment: For these reasons, this variant has been classified as Pathogenic. This variant disrupts a region of the HPS6 protein in which other variant(s) (p.Gln680*) have been determined to be pathogenic (PMID: 27225848). This suggests that this is a clinically significant region of the protein, and that variants that disrupt it are likely to be disease-causing. This sequence change creates a premature translational stop signal (p.Gln538*) in the HPS6 gene. While this is not anticipated to result in nonsense mediated decay, it is expected to disrupt the last 238 amino acid(s) of the HPS6 protein. This variant is present in population databases (no rsID available, gnomAD 0.003%). This variant has not been reported in the literature in individuals affected with HPS6-related conditions.

Literature cited by the submitters: PubMed 27225848.

NM_024747.6(HPS6):c.1612C>T (p.Gln538Ter)

Gene: HPS6 (HPS6 biogenesis of lysosomal organelles complex 2 subunit 3; plus strand). Cytogenetic location: 10q24.32.
Variant type: single nucleotide variant.
Coding change: c.1612C>T on transcript NM_024747.6 (MANE Select); coding-DNA position 1612, C replaced by T.
Protein change: p.Gln538Ter; replaces glutamine 538 with a stop codon.
Molecular consequence: nonsense.
Genome position (GRCh38, 1-based): chr10:102,067,086, C>T. VCF-style: chr10-102067086-C-T. GRCh37 (hg19) VCF-style: chr10-103826843-C-T.
Other names: short protein forms Q538*.
Identifiers: ClinVar variation 2100988 (VCV002100988.4), dbSNP rs1330407036, ClinGen allele CA377869846.